The following is an entry in ClinVar:

NM_198576.4(AGRN):c.3773C>T (p.Thr1258Met)

Gene: AGRN (agrin; plus strand). Cytogenetic location: 1p36.33.
Variant type: single nucleotide variant.
Coding change: c.3773C>T on transcript NM_198576.4 (MANE Select); coding-DNA position 3773, C replaced by T.
Protein change: p.Thr1258Met; replaces threonine 1258 with methionine.
Molecular consequence: missense variant.
Genome position (GRCh38, 1-based): chr1:1,048,033, C>T. VCF-style: chr1-1048033-C-T. GRCh37 (hg19) VCF-style: chr1-983413-C-T.
Other names: c.3773C>T, p.Thr1258Met (NM_001305275.2); c.3458C>T, p.Thr1153Met (NM_001364727.2); short protein forms T1258M, T1153M.
Identifiers: ClinVar variation 474125 (VCV000474125.7), dbSNP rs141842070, ClinGen allele CA509236.
Genomic context (GRCh38, chr1:1,048,033, plus strand): 5'-CTGCTCCCAGGAAACCCTAACAGCTCCCTGTGCCGGCAGACTGGTTTCCTGCGTTTATCA[C>T]GGGGGCCACGTCAGGAGCCATTGCTGCGGGAGCCACGGCCAGAGCCACCACTGCATCGCG-3'
Protein context (NP_940978.2, residues 1248-1268): MDFDWFPAFI[Thr1258Met]GATSGAIAAG

ClinVar aggregate classification (germline): Uncertain significance. Review status: criteria provided, multiple submitters, no conflicts (2 of 4 stars). 2 submissions from 2 submitters: Uncertain significance (2). Last evaluated 2025-04-11.

Conditions:
Inborn genetic diseases. Identifiers: MedGen C0950123, MeSH D030342.
Congenital myasthenic syndrome 8. Also called: MYASTHENIC SYNDROME, CONGENITAL, DUE TO AGRIN DEFICIENCY; Myasthenic syndrome, congenital, 8, with pre- and postsynaptic defects. Identifiers: Orphanet 590, MedGen C3808739, MONDO:0014052, OMIM 615120.

Allele frequency attached by ClinVar (database versions not stated): TOPMed 0.00014; gnomAD 0.00016 and 0.00013; gnomAD exomes 0.00002 and 0.00004; ExAC 0.00003; ESP Exome Variant Server 0.00016.
gnomAD v4.1: 47 of 1,584,542 alleles (0.003%); highest among the groups gnomAD compares: African/African-American, 0.036%; no homozygotes.

Submissions (2):

Ambry Genetics
Classification: Uncertain significance for Inborn genetic diseases. Last evaluated: 2025-04-11. Review status: criteria provided, single submitter. Criteria: Ambry Variant Classification Scheme 2023. Collection method: clinical testing. Allele origin: germline.

Labcorp Genetics (formerly Invitae), Labcorp
Classification: Uncertain significance for Congenital myasthenic syndrome 8. Last evaluated: 2022-11-01. Review status: criteria provided, single submitter. Criteria: Invitae Variant Classification Sherloc (09022015). Collection method: clinical testing. Allele origin: germline.
Comment: This sequence change replaces threonine, which is neutral and polar, with methionine, which is neutral and non-polar, at codon 1258 of the AGRN protein (p.Thr1258Met). The frequency data for this variant in the population databases is considered unreliable, as metrics indicate poor data quality at this position in the gnomAD database. This variant has not been reported in the literature in individuals affected with AGRN-related conditions. ClinVar contains an entry for this variant (Variation ID: 474125). Algorithms developed to predict the effect of missense changes on protein structure and function output the following: SIFT: "Tolerated"; PolyPhen-2: "Benign"; Align-GVGD: "Class C0". The methionine amino acid residue is found in multiple mammalian species, which suggests that this missense change does not adversely affect protein function. In summary, the available evidence is currently insufficient to determine the role of this variant in disease. Therefore, it has been classified as a Variant of Uncertain Significance.